The following is an entry in ClinVar:

ClinVar aggregate classification (germline): Conflicting classifications of pathogenicity. Review status: criteria provided, conflicting classifications (1 of 4 stars). 3 submissions from 3 submitters: Uncertain significance (2); Likely benign (1). Last evaluated 2026-01-18.

Conditions:
Recessive dystrophic epidermolysis bullosa (RDEB). Also called: Hallopeau-Siemens Disease; severe generalized recessive dystrophic epidermolysis bullosa; EPIDERMOLYSIS BULLOSA DYSTROPHICA, GENERALIZED SEVERE, AUTOSOMAL RECESSIVE; Epidermolysis Bullosa Distrophica Autosomal Recessive (RDEB); epidermolysis bullosa dystrophica, autosomal recessive; Recessive DEB (RDEB). Identifiers: Orphanet 79408, Orphanet 79409, MedGen C0079474, MONDO:0009179, OMIM 226600.
Epidermolysis bullosa dystrophica. Also called: Dystrophic epidermolysis bullosa, Hallopeau-Siemens type (formerly); Dystrophic epidermolysis bullosa. Identifiers: Orphanet 303, MedGen C0079294, MONDO:0006543.
COL7A1-related disorder. Also called: COL7A1-related condition; COL7A1- related disorders.
Inborn genetic diseases. Identifiers: MedGen C0950123, MeSH D030342.

Allele frequency attached by ClinVar (database versions not stated): ExAC 0.00003; gnomAD 0.00007; TOPMed 0.00007; gnomAD exomes 0.00008.
gnomAD v4.1: 134 of 1,613,634 alleles (0.0083%); highest among the groups gnomAD compares: East Asian, 0.018%; no homozygotes.

Submissions (3):

Labcorp Genetics (formerly Invitae), Labcorp
Classification: Likely benign. Last evaluated: 2026-01-18. Review status: criteria provided, single submitter. Criteria: Invitae Variant Classification Sherloc (09022015). Collection method: clinical testing. Allele origin: germline.

PreventionGenetics, part of Exact Sciences
Classification: Uncertain significance for COL7A1-related condition. Last evaluated: 2022-11-03. Review status: criteria provided, single submitter. Criteria: ACMG Guidelines, 2015. Collection method: clinical testing. Allele origin: germline.
Comment: The COL7A1 c.809C>T variant is predicted to result in the amino acid substitution p.Thr270Met. This variant was reported in an individual with dystrophic epidermolysis bullosa (Yu et al 2021. PubMed ID: 34046686). This variant is reported in 0.010% of alleles in individuals of East Asian descent in gnomAD. At this time, the clinical significance of this variant is uncertain due to the absence of conclusive functional and genetic evidence.

Ambry Genetics
Classification: Uncertain significance for Inborn genetic diseases. Last evaluated: 2022-02-11. Review status: criteria provided, single submitter. Criteria: Ambry Variant Classification Scheme 2023. Collection method: clinical testing. Allele origin: germline.

NM_000094.4(COL7A1):c.809C>T (p.Thr270Met)

Gene: COL7A1 (collagen type VII alpha 1 chain; minus strand). Cytogenetic location: 3p21.31.
Variant type: single nucleotide variant.
Coding change: c.809C>T on transcript NM_000094.4 (MANE Select); coding-DNA position 809, C replaced by T.
Protein change: p.Thr270Met; replaces threonine 270 with methionine.
Molecular consequence: missense variant.
Genome position (GRCh38, 1-based): chr3:48,592,812, G>A on the plus strand (C>T on the coding strand, the complement: COL7A1 is on the minus strand). VCF-style: chr3-48592812-G-A. GRCh37 (hg19) VCF-style: chr3-48630245-G-A.
Other names: short protein forms T270M.
Identifiers: ClinVar variation 2140231 (VCV002140231.7), dbSNP rs376502783, ClinGen allele CA2381442.